The following is an entry in ClinVar:

NM_001099289.3(SH3RF3):c.1558G>A (p.Val520Met)

Genes: RANBP2 (RAN binding protein 2; plus strand), SH3RF3 (SH3 domain containing ring finger 3; plus strand). Cytogenetic location: 2q13.
Variant type: single nucleotide variant.
Coding change: c.1558G>A on transcript NM_001099289.3 (MANE Select); coding-DNA position 1558, G replaced by A.
Protein change: p.Val520Met; replaces valine 520 with methionine.
Molecular consequence: missense variant.
Genome position (GRCh38, 1-based): chr2:109,432,655, G>A. VCF-style: chr2-109432655-G-A. GRCh37 (hg19) VCF-style: chr2-110049111-G-A.
Other names: short protein forms V520M.
Identifiers: ClinVar variation 3441119 (VCV003441119.1).
Genomic context (GRCh38, chr2:109,432,655, plus strand): 5'-GGCTGGTTCAAGGGGGCGTCTCTGAGGACCGGGGTCTCTGGGGTGTTCCCCGGAAACTAC[G>A]TGACACCCGTTTCCAGGTGAGGGCATGGTGGTGGCAGCCTGGGCAAGGAGAGGGCAAGGG-3'
Protein context (NP_001092759.1, residues 510-530): GVSGVFPGNY[Val520Met]TPVSRVPAGG

ClinVar aggregate classification (germline): Uncertain significance (1 of 4 stars; one submission).

gnomAD v4.1: 15 of 1,612,362 alleles (0.00093%); highest among the groups gnomAD compares: South Asian, 0.0022%; 1 homozygote.

Submission:

Ambry Genetics
Classification: Uncertain significance. Last evaluated: 2024-09-08. Review status: criteria provided, single submitter. Criteria: Ambry Variant Classification Scheme 2023. Collection method: clinical testing. Allele origin: germline.
Comment: The c.1558G>A (p.V520M) alteration is located in exon (coding exon ) of the SH3RF3 gene. This alteration results from a G to A substitution at nucleotide position 1558, causing the valine (V) at amino acid position 520 to be replaced by a methionine (M). Based on insufficient or conflicting evidence, the clinical significance of this alteration remains unclear.